The following is an entry in ClinVar:

NM_001032283.3(TMPO):c.311A>C (p.Gln104Pro)

Gene: TMPO (thymopoietin; plus strand). Cytogenetic location: 12q23.1.
Variant type: single nucleotide variant.
Coding change: c.311A>C on transcript NM_001032283.3 (MANE Select); coding-DNA position 311, A replaced by C.
Protein change: p.Gln104Pro; replaces glutamine 104 with proline.
Molecular consequence: missense variant.
Genome position (GRCh38, 1-based): chr12:98,527,917, A>C. VCF-style: chr12-98527917-A-C. GRCh37 (hg19) VCF-style: chr12-98921695-A-C.
Other names: c.311A>C, p.Gln104Pro (NM_001032284.3, NM_001307975.2, NM_003276.2); short protein forms Q104P.
Identifiers: ClinVar variation 3808580 (VCV003808580.1).
Genomic context (GRCh38, chr12:98,527,917, plus strand): 5'-TGGAAATGATTACTGGACTTTGTTTACAGAAAGCCACAAAAAAAACTGATAAACCCAGAC[A>C]AGAAGATAAAGATGATCTAGATGTAACAGAGCTCACTAATGAAGATCTTTTGGATCAGCT-3'
Protein context (NP_001027454.1, residues 94-114): KATKKTDKPR[Gln104Pro]EDKDDLDVTE

ClinVar aggregate classification (germline): Uncertain significance (1 of 4 stars; one submission).

Submission:

Ambry Genetics
Classification: Uncertain significance. Last evaluated: 2025-02-10. Review status: criteria provided, single submitter. Criteria: Ambry Variant Classification Scheme 2023. Collection method: clinical testing. Allele origin: germline.
Comment: The p.Q104P variant (also known as c.311A>C), located in coding exon 2 of the TMPO gene, results from an A to C substitution at nucleotide position 311. The glutamine at codon 104 is replaced by proline, an amino acid with similar properties. This amino acid position is conserved. In addition, this alteration is predicted to be tolerated by in silico analysis. Based on the available evidence, the clinical significance of this variant remains unclear.